The following is an entry in ClinVar:

ClinVar aggregate classification (germline): Uncertain significance. Review status: criteria provided, multiple submitters, no conflicts (2 of 4 stars). 4 submissions from 4 submitters: Uncertain significance (4). Last evaluated 2025-11-18.

Conditions:
Sick sinus syndrome 2, autosomal dominant (SSS2). Also called: ATRIAL FIBRILLATION WITH BRADYARRHYTHMIA; SINUS BRADYCARDIA SYNDROME, FAMILIAL, AUTOSOMAL DOMINANT; SINUS NODE DISEASE, FAMILIAL, AUTOSOMAL DOMINANT; SICK SINUS SYNDROME 2; SICK SINUS SYNDROME 2 WITH OR WITHOUT CARDIAC NONCOMPACTION AND/OR ASCENDING AORTA DILATION. Identifiers: Orphanet 166282, MedGen C1834144, MONDO:0008102, OMIM 163800.
Brugada syndrome 8 (BRGDA8). Identifiers: Orphanet 130, MedGen C2751083, MONDO:0013148, OMIM 613123.
Epilepsy, idiopathic generalized, susceptibility to, 18. Identifiers: MedGen C5561983, MONDO:0030434, OMIM 619521.
Cardiovascular phenotype. Identifiers: MedGen CN230736.

Allele frequency attached by ClinVar (database versions not stated): gnomAD exomes below 0.00001 and 0.00001; gnomAD 0.00001; TOPMed 0.00001; ExAC 0.00003; ESP Exome Variant Server 0.00015.

Submissions (4):

Labcorp Genetics (formerly Invitae), Labcorp
Classification: Uncertain significance for Brugada syndrome 8. Last evaluated: 2025-11-18. Review status: criteria provided, single submitter. Criteria: Invitae Variant Classification Sherloc (09022015). Collection method: clinical testing. Allele origin: germline.
Comment: This sequence change replaces proline, which is neutral and non-polar, with threonine, which is neutral and polar, at codon 776 of the HCN4 protein (p.Pro776Thr). The frequency data for this variant in the population databases is considered unreliable, as metrics indicate poor data quality at this position in the gnomAD database. This variant has not been reported in the literature in individuals affected with HCN4-related conditions. ClinVar contains an entry for this variant (Variation ID: 470655). Invitae Evidence Modeling of protein sequence and biophysical properties (such as structural, functional, and spatial information, amino acid conservation, physicochemical variation, residue mobility, and thermodynamic stability) has been performed for this missense variant. However, the output from this modeling did not meet the statistical confidence thresholds required to predict the impact of this variant on HCN4 protein function. In summary, the available evidence is currently insufficient to determine the role of this variant in disease. Therefore, it has been classified as a Variant of Uncertain Significance.

Ambry Genetics
Classification: Uncertain significance for Cardiovascular phenotype. Last evaluated: 2022-02-15. Review status: criteria provided, single submitter. Criteria: Ambry Variant Classification Scheme 2023. Collection method: clinical testing. Allele origin: germline.
Comment: The p.P776T variant (also known as c.2326C>A), located in coding exon 8 of the HCN4 gene, results from a C to A substitution at nucleotide position 2326. The proline at codon 776 is replaced by threonine, an amino acid with highly similar properties. This amino acid position is highly conserved in available vertebrate species. In addition, the in silico prediction for this alteration is inconclusive. Since supporting evidence is limited at this time, the clinical significance of this alteration remains unclear.

AiLife Diagnostics
Classification: Uncertain significance. Last evaluated: 2022-02-08. Review status: criteria provided, single submitter. Criteria: ACMG Guidelines, 2015. Collection method: clinical testing. Allele origin: germline. Affected: yes. Observed: 1 variant allele.

Fulgent Genetics
Classification: Uncertain significance for Sick sinus syndrome 2, autosomal dominant; Brugada syndrome 8; Epilepsy, idiopathic generalized, susceptibility to, 18. Last evaluated: 2021-08-17. Review status: criteria provided, single submitter. Criteria: ACMG Guidelines, 2015. Collection method: clinical testing. Allele origin: unknown.

NM_005477.3(HCN4):c.2326C>A (p.Pro776Thr)

Gene: HCN4 (hyperpolarization activated cyclic nucleotide gated potassium channel 4; minus strand). Cytogenetic location: 15q24.1.
Variant type: single nucleotide variant.
Coding change: c.2326C>A on transcript NM_005477.3 (MANE Select); coding-DNA position 2326, C replaced by A.
Protein change: p.Pro776Thr; replaces proline 776 with threonine.
Molecular consequence: missense variant.
Genome position (GRCh38, 1-based): chr15:73,323,767, G>T on the plus strand (C>A on the coding strand, the complement: HCN4 is on the minus strand). VCF-style: chr15-73323767-G-T. GRCh37 (hg19) VCF-style: chr15-73616108-G-T.
Other names: short protein forms P776T.
Identifiers: ClinVar variation 470655 (VCV000470655.12), dbSNP rs148714049, ClinGen allele CA7649044.